The following is an entry in ClinVar:

ClinVar aggregate classification (germline): Uncertain significance. Review status: criteria provided, multiple submitters, no conflicts (2 of 4 stars). 2 submissions from 2 submitters: Uncertain significance (2). Last evaluated 2024-10-17.

Conditions:
PGM1-congenital disorder of glycosylation. Also called: GSD XIV; PHOSPHOGLUCOMUTASE 1 DEFICIENCY; PGM1 DEFICIENCY; GLYCOGEN STORAGE DISEASE XIV; Congenital disorder of glycosylation type 1t; CDG It. Identifiers: Orphanet 319646, MedGen C2752015, MONDO:0013968, OMIM 614921.

Allele frequency attached by ClinVar (database versions not stated): ESP Exome Variant Server 0.00008; 1000 Genomes Project 30x 0.00016; 1000 Genomes Project 0.00020; gnomAD 0.00004; TOPMed 0.00004; gnomAD exomes 0.00006; ExAC 0.00007.
gnomAD v4.1: 28 of 1,613,626 alleles (0.0017%); highest among the groups gnomAD compares: Middle Eastern, 0.017%; 1 homozygote.

Submissions (2):

Labcorp Genetics (formerly Invitae), Labcorp
Classification: Uncertain significance for PGM1-congenital disorder of glycosylation. Last evaluated: 2024-10-17. Review status: criteria provided, single submitter. Criteria: Invitae Variant Classification Sherloc (09022015). Collection method: clinical testing. Allele origin: germline.
Comment: This sequence change replaces arginine, which is basic and polar, with glutamine, which is neutral and polar, at codon 217 of the PGM1 protein (p.Arg217Gln). This variant is present in population databases (rs188291855, gnomAD 0.02%), including at least one homozygous and/or hemizygous individual. This variant has not been reported in the literature in individuals affected with PGM1-related conditions. ClinVar contains an entry for this variant (Variation ID: 870659). Invitae Evidence Modeling of protein sequence and biophysical properties (such as structural, functional, and spatial information, amino acid conservation, physicochemical variation, residue mobility, and thermodynamic stability) indicates that this missense variant is not expected to disrupt PGM1 protein function with a negative predictive value of 80%. In summary, the available evidence is currently insufficient to determine the role of this variant in disease. Therefore, it has been classified as a Variant of Uncertain Significance.

CeGaT Center for Human Genetics Tuebingen
Classification: Uncertain significance. Last evaluated: 2019-09-01. Review status: criteria provided, single submitter. Criteria: CeGaT Center For Human Genetics Tuebingen Variant Classification Criteria Version 2. Collection method: clinical testing. Allele origin: germline. Affected: yes. Observed: 1 variant allele.

NM_002633.3(PGM1):c.650G>A (p.Arg217Gln)

Gene: PGM1 (phosphoglucomutase 1; plus strand). Cytogenetic location: 1p31.3.
Variant type: single nucleotide variant.
Coding change: c.650G>A on transcript NM_002633.3 (MANE Select); coding-DNA position 650, G replaced by A.
Protein change: p.Arg217Gln; replaces arginine 217 with glutamine.
Molecular consequence: missense variant.
Genome position (GRCh38, 1-based): chr1:63,631,750, G>A. VCF-style: chr1-63631750-G-A. GRCh37 (hg19) VCF-style: chr1-64097421-G-A.
Other names: c.704G>A, p.Arg235Gln (NM_001172818.1); c.59G>A, p.Arg20Gln (NM_001172819.2); short protein forms R20Q, R217Q, R235Q.
Identifiers: ClinVar variation 870659 (VCV000870659.46), dbSNP rs188291855, ClinGen allele CA889591.
Genomic context (GRCh38, chr1:63,631,750, plus strand): 5'-CAATGCTGAGAAGCATCTTTGATTTCAGTGCACTGAAAGAACTACTTTCTGGGCCAAACC[G>A]ACTGAAGATCCGTATTGATGCTATGCATGGAGGTATACAATCATTTCTTTTCAATTCCCA-3'
Protein context (NP_002624.2, residues 207-227): ALKELLSGPN[Arg217Gln]LKIRIDAMHG